The following is an entry in ClinVar:

ClinVar aggregate classification (germline): Uncertain significance (1 of 4 stars; one submission).

Conditions:
Hereditary cancer-predisposing syndrome. Also called: Neoplastic Syndromes, Hereditary; Hereditary Cancer Syndrome; Tumor predisposition; Hereditary neoplastic syndrome. Identifiers: Orphanet 140162, MedGen C0027672, MeSH D009386, MONDO:0015356.

Submission:

Ambry Genetics
Classification: Uncertain significance for Hereditary cancer-predisposing syndrome. Last evaluated: 2022-11-17. Review status: criteria provided, single submitter. Criteria: Ambry Variant Classification Scheme 2023. Collection method: clinical testing. Allele origin: germline.
Comment: The p.L143P variant (also known as c.428T>C), located in coding exon 1 of the ALK gene, results from a T to C substitution at nucleotide position 428. The leucine at codon 143 is replaced by proline, an amino acid with similar properties. This amino acid position is conserved. In addition, this alteration is predicted to be deleterious by in silico analysis. Since supporting evidence is limited at this time, the clinical significance of this alteration remains unclear.

NM_004304.5(ALK):c.428T>C (p.Leu143Pro)

Gene: ALK (ALK receptor tyrosine kinase; minus strand). Cytogenetic location: 2p23.1.
Variant type: single nucleotide variant.
Coding change: c.428T>C on transcript NM_004304.5 (MANE Select); coding-DNA position 428, T replaced by C.
Protein change: p.Leu143Pro; replaces leucine 143 with proline.
Molecular consequence: missense variant.
Genome position (GRCh38, 1-based): chr2:29,920,232, A>G on the plus strand (T>C on the coding strand, the complement: ALK is on the minus strand). VCF-style: chr2-29920232-A-G. GRCh37 (hg19) VCF-style: chr2-30143098-A-G.
Other names: short protein forms L143P.
Identifiers: ClinVar variation 2447092 (VCV002447092.2), dbSNP rs777656583, ClinGen allele CA346590065.